The following is an entry in ClinVar:

NM_018060.4(IARS2):c.1973T>G (p.Leu658Arg)

Gene: IARS2 (isoleucyl-tRNA synthetase 2, mitochondrial; plus strand). Cytogenetic location: 1q41.
Variant type: single nucleotide variant.
Coding change: c.1973T>G on transcript NM_018060.4 (MANE Select); coding-DNA position 1973, T replaced by G.
Protein change: p.Leu658Arg; replaces leucine 658 with arginine.
Molecular consequence: missense variant.
Genome position (GRCh38, 1-based): chr1:220,136,835, T>G. VCF-style: chr1-220136835-T-G. GRCh37 (hg19) VCF-style: chr1-220310177-T-G.
Other names: short protein forms L658R.
Identifiers: ClinVar variation 2096924 (VCV002096924.4), dbSNP rs2528571727, ClinGen allele CA344611738.
Genomic context (GRCh38, chr1:220,136,835, plus strand): 5'-GTTTATCATTAAAATAGCTGATTTGTCCCTTTAGGACAGTGATTGTTCATGGATTTACCC[T>G]TGGAGAAAAGGGAGAAAAGATGTCCAAGTCTCTTGGGAATGTCATTCATCCTGATGTTGT-3'
Protein context (NP_060530.3, residues 648-668): YKTVIVHGFT[Leu658Arg]GEKGEKMSKS

ClinVar aggregate classification (germline): Uncertain significance (1 of 4 stars; one submission).

Submission:

Labcorp Genetics (formerly Invitae), Labcorp
Classification: Uncertain significance. Last evaluated: 2022-02-11. Review status: criteria provided, single submitter. Criteria: Invitae Variant Classification Sherloc (09022015). Collection method: clinical testing. Allele origin: germline.
Comment: In summary, the available evidence is currently insufficient to determine the role of this variant in disease. Therefore, it has been classified as a Variant of Uncertain Significance. Algorithms developed to predict the effect of missense changes on protein structure and function are either unavailable or do not agree on the potential impact of this missense change (SIFT: "Deleterious"; PolyPhen-2: "Probably Damaging"; Align-GVGD: "Class C0"). This variant has not been reported in the literature in individuals affected with IARS2-related conditions. This variant is not present in population databases (gnomAD no frequency). This sequence change replaces leucine, which is neutral and non-polar, with arginine, which is basic and polar, at codon 658 of the IARS2 protein (p.Leu658Arg).